The following is an entry in ClinVar:

NM_053025.4(MYLK):c.1818C>G (p.Ser606Arg)

Gene: MYLK (myosin light chain kinase; minus strand). Cytogenetic location: 3q21.1.
Variant type: single nucleotide variant.
Coding change: c.1818C>G on transcript NM_053025.4 (MANE Select); coding-DNA position 1818, C replaced by G.
Protein change: p.Ser606Arg; replaces serine 606 with arginine.
Molecular consequence: missense variant.
Genome position (GRCh38, 1-based): chr3:123,709,880, G>C on the plus strand (C>G on the coding strand, the complement: MYLK is on the minus strand). VCF-style: chr3-123709880-G-C. GRCh37 (hg19) VCF-style: chr3-123428727-G-C.
Other names: c.1290C>G, p.Ser430Arg (NM_001321309.2); c.1611C>G, p.Ser537Arg (NM_053026.4, NM_053028.4); c.1818C>G, p.Ser606Arg (NM_053027.4); short protein forms S430R, S606R, S537R.
Identifiers: ClinVar variation 2894795 (VCV002894795.3), dbSNP rs763941748, ClinGen allele CA067584.

ClinVar aggregate classification (germline): Uncertain significance (1 of 4 stars; one submission).

Conditions:
Aortic aneurysm, familial thoracic 7 (AAT7). Also called: AORTIC DISSECTION, FAMILIAL, WITH OR WITHOUT AORTIC ANEURYSM. Identifiers: MedGen C3151077, MONDO:0013418, OMIM 613780.

Allele frequency attached by ClinVar (database versions not stated): gnomAD exomes 0.00001; ExAC 0.00002.
gnomAD v4.1: 3 of 1,614,144 alleles (0.00019%); highest among the groups gnomAD compares: Admixed American, 0.005%; no homozygotes.

Submission:

Labcorp Genetics (formerly Invitae), Labcorp
Classification: Uncertain significance for Aortic aneurysm, familial thoracic 7. Last evaluated: 2025-01-06. Review status: criteria provided, single submitter. Criteria: Invitae Variant Classification Sherloc (09022015). Collection method: clinical testing. Allele origin: germline.
Comment: This sequence change replaces serine, which is neutral and polar, with arginine, which is basic and polar, at codon 606 of the MYLK protein (p.Ser606Arg). This variant is present in population databases (rs763941748, gnomAD 0.009%). This variant has not been reported in the literature in individuals affected with MYLK-related conditions. ClinVar contains an entry for this variant (Variation ID: 2894795). Invitae Evidence Modeling of protein sequence and biophysical properties (such as structural, functional, and spatial information, amino acid conservation, physicochemical variation, residue mobility, and thermodynamic stability) indicates that this missense variant is not expected to disrupt MYLK protein function with a negative predictive value of 80%. In summary, the available evidence is currently insufficient to determine the role of this variant in disease. Therefore, it has been classified as a Variant of Uncertain Significance.